The following is an entry in ClinVar:

NM_001122630.2(CDKN1C):c.95_96insA (p.Ser32fs)

Gene: CDKN1C (cyclin dependent kinase inhibitor 1C; minus strand). Cytogenetic location: 11p15.4.
Variant type: Insertion.
Coding change: c.95_96insA on transcript NM_001122630.2 (MANE Select); coding-DNA positions 95 to 96, A inserted.
Protein change: p.Ser32fs; shifts the reading frame from serine 32.
Molecular consequence: frameshift variant.
Genome position: GRCh38 VCF-style: chr11-2885361-G-GT. GRCh37 (hg19) VCF-style: chr11-2906591-G-GT.
Other names: c.128_129insA, p.Ser43fs (NM_000076.2, NM_001362474.2); c.95_96insA, p.Ser32fs (NM_001122631.2, NM_001362475.2); short protein forms S32fs, S43fs.
Identifiers: ClinVar variation 1074899 (VCV001074899.7), dbSNP rs2133786225, ClinGen allele CA2499220907.

ClinVar aggregate classification (germline): Pathogenic (1 of 4 stars; one submission).

Conditions:
Beckwith-Wiedemann syndrome (BWS). Also called: EMG SYNDROME; Exomphalos macroglossia gigantism syndrome. Identifiers: Orphanet 116, MedGen C0004903, MONDO:0007534, OMIM 130650.

Submission:

Labcorp Genetics (formerly Invitae), Labcorp
Classification: Pathogenic for Beckwith-Wiedemann syndrome. Last evaluated: 2020-09-11. Review status: criteria provided, single submitter. Criteria: Invitae Variant Classification Sherloc (09022015). Collection method: clinical testing. Allele origin: germline.
Comment: For these reasons, this variant has been classified as Pathogenic. Loss-of-function variants in CDKN1C are known to be pathogenic (PMID: 20503313). This variant has not been reported in the literature in individuals with CDKN1C-related conditions. This variant is not present in population databases (ExAC no frequency). This sequence change creates a premature translational stop signal (p.Ser43Argfs*82) in the CDKN1C gene. It is expected to result in an absent or disrupted protein product.

Literature cited by the submitters: PubMed 20503313.